The following is an entry in ClinVar:

ClinVar aggregate classification (germline): Conflicting classifications of pathogenicity. Review status: criteria provided, conflicting classifications (1 of 4 stars). 11 submissions from 11 submitters: Uncertain significance (1); Benign (1); Likely benign (9). Last evaluated 2026-07-01.

Conditions:
Xeroderma pigmentosum (XP). Identifiers: Orphanet 910, MedGen C0043346, MONDO:0019600.
Xeroderma pigmentosum, group F (XPF). Also called: XERODERMA PIGMENTOSUM, TYPE F; Xeroderma pigmentosum, type 6; XERODERMA PIGMENTOSUM VI; ERCC4-Related Xeroderma Pigmentosum; XP, GROUP F; XERODERMA PIGMENTOSUM, COMPLEMENTATION GROUP F. Identifiers: MedGen C0268140, MONDO:0010215, OMIM 278760.
Fanconi anemia complementation group Q. Identifiers: Orphanet 84, MedGen C3808988, MONDO:0014108, OMIM 615272.
Cockayne syndrome. Identifiers: Orphanet 191, MedGen C0009207, MONDO:0016006.
Hereditary cancer-predisposing syndrome. Also called: Neoplastic Syndromes, Hereditary; Tumor predisposition; Hereditary Cancer Syndrome; Hereditary neoplastic syndrome. Identifiers: Orphanet 140162, MedGen C0027672, MeSH D009386, MONDO:0015356.

Allele frequency attached by ClinVar (database versions not stated): ESP Exome Variant Server 0.00077; gnomAD 0.00091 and 0.00106; TOPMed 0.00098; 1000 Genomes Project 0.00100; gnomAD exomes 0.00123 and 0.00133; 1000 Genomes Project 30x 0.00125; ExAC 0.00148.
gnomAD v4.1: 1,949 of 1,612,666 alleles (0.12%); highest among the groups gnomAD compares: Middle Eastern, 0.37%; 7 homozygotes.

Submissions (11):

CeGaT Center for Human Genetics Tuebingen
Classification: Likely benign. Last evaluated: 2026-07-01. Review status: criteria provided, single submitter. Criteria: CeGaT Center For Human Genetics Tuebingen Variant Classification Criteria Version 2. Collection method: clinical testing. Allele origin: germline. Affected: yes. Observed: 6 variant alleles.
Comment: ERCC4: BP4

Blueprint Genetics
Classification: Likely benign. Last evaluated: 2024-11-08. Review status: criteria provided, single submitter. Criteria: ACMG Guidelines, 2015. Collection method: clinical testing. Allele origin: germline.

Molecular Diagnostics Laboratory, Catalan Institute of Oncology
Classification: Uncertain significance for Hereditary cancer-predisposing syndrome. Last evaluated: 2024-09-17. Review status: criteria provided, single submitter. Criteria: ACMG Guidelines, 2015. Collection method: clinical testing. Allele origin: germline.
Comment: BP4 ERCC4:c.974-6T>C is an intronic variant located close to a canonical splice site. This variant is found in 335/268132 alleles at a frequency of 0.124% in the gnomAD v2.1.1 database, non-cancer dataset. The SpliceAI algorithm predicts no significant impact on splicing (BP4). To our knowledge, neither relevant clinical data nor well-established functional studies have been reported for this variant. This variant has been reported in the ClinVar database (1x benign, 6x likely benign) and in LOVD (1x likely benign). Based on currently available information, the variant c.974-6T>C should be considered an uncertain significance variant.

ARUP Laboratories, Molecular Genetics and Genomics, ARUP Laboratories
Classification: Likely benign. Last evaluated: 2024-02-21. Review status: criteria provided, single submitter. Criteria: ARUP Molecular Germline Variant Investigation Process 2024. Collection method: clinical testing. Allele origin: germline.

Sema4
Classification: Likely benign for Xeroderma pigmentosum. Last evaluated: 2021-01-31. Review status: criteria provided, single submitter. Criteria: Sema4 Curation Guidelines. Collection method: curation. Allele origin: germline.

Genetic Services Laboratory, University of Chicago
Classification: Likely benign. Last evaluated: 2019-12-31. Review status: criteria provided, single submitter. Criteria: ACMG Guidelines, 2015. Collection method: clinical testing. Allele origin: germline. Affected: no.

Labcorp Genetics (formerly Invitae), Labcorp
Classification: Benign for Fanconi anemia, complementation group Q; Xeroderma pigmentosum, group F; Cockayne syndrome. Last evaluated: 2019-12-31. Review status: criteria provided, single submitter. Criteria: Invitae Variant Classification Sherloc (09022015). Collection method: clinical testing. Allele origin: germline.

Illumina Laboratory Services, Illumina
Classification: Likely benign for Xeroderma pigmentosum, group F. Last evaluated: 2018-01-13. Review status: criteria provided, single submitter. Criteria: ICSL Variant Classification Criteria 13 December 2019. Collection method: clinical testing. Allele origin: germline.
Comment: This variant was observed in the ICSL laboratory as part of a predisposition screen in an ostensibly healthy population. It had not been previously curated by ICSL or reported in the Human Gene Mutation Database (HGMD: prior to June 1st, 2018), and was therefore a candidate for classification through an automated scoring system. Utilizing variant allele frequency, disease prevalence and penetrance estimates, and inheritance mode, an automated score was calculated to assess if this variant is too frequent to cause the disease. Based on the score and internal cut-off values, a variant classified as likely benign is not then subjected to further curation. The score for this variant resulted in a classification of likely benign for this disease.

Genomic Diagnostic Laboratory, Division of Genomic Diagnostics, Children's Hospital of Philadelphia
Classification: Likely benign. Last evaluated: 2015-02-13. Review status: criteria provided, single submitter. Criteria: DGD Variant Analysis Guidelines. Collection method: clinical testing. Allele origin: unknown.

Breakthrough Genomics
Classification: Likely benign. Review status: criteria provided, single submitter. Criteria: ACMG Guidelines, 2015. Collection method: not provided. Allele origin: germline. Inheritance: Autosomal recessive inheritance. Affected: yes.

PreventionGenetics, part of Exact Sciences
Classification: Likely benign. Review status: criteria provided, single submitter. Criteria: ACMG Guidelines, 2015. Collection method: clinical testing. Allele origin: germline.

NM_005236.3(ERCC4):c.974-6T>C

Gene: ERCC4 (ERCC excision repair 4, endonuclease catalytic subunit; plus strand). Cytogenetic location: 16p13.12.
Variant type: single nucleotide variant.
Coding change: c.974-6T>C on transcript NM_005236.3 (MANE Select); 6 bases into the intron before coding-DNA position 974, T replaced by C.
Molecular consequence: intron variant.
Genome position (GRCh38, 1-based): chr16:13,932,151, T>C. VCF-style: chr16-13932151-T-C. GRCh37 (hg19) VCF-style: chr16-14026008-T-C.
Identifiers: ClinVar variation 218668 (VCV000218668.41), dbSNP rs201181735, ClinGen allele CA249006.